The following is an entry in ClinVar:

ClinVar aggregate classification (germline): Uncertain significance. Review status: criteria provided, multiple submitters, no conflicts (2 of 4 stars). 2 submissions from 2 submitters: Uncertain significance (2). Last evaluated 2025-12-28.

Conditions:
Progressive sclerosing poliodystrophy (MTDPS4A). Also called: ALPERS DIFFUSE DEGENERATION OF CEREBRAL GRAY MATTER WITH HEPATIC CIRRHOSIS; Alpers-Huttenlocher Syndrome; Mitochondrial DNA depletion syndrome 4A (Alpers type); ALPERS PROGRESSIVE INFANTILE POLIODYSTROPHY; Alpers Syndrome; Mitochondrial DNA Depletion Syndrome 4A. Identifiers: Orphanet 726, MedGen C0205710, MONDO:0008758, OMIM 203700.

Allele frequency attached by ClinVar (database versions not stated): gnomAD exomes 0.00001; TOPMed 0.00001; ExAC 0.00002; gnomAD 0.00002; 1000 Genomes Project 0.00040; 1000 Genomes Project 30x 0.00047.
gnomAD v4.1: 6 of 1,613,818 alleles (0.00037%); highest among the groups gnomAD compares: Admixed American, 0.01%; no homozygotes.

Submissions (2):

Labcorp Genetics (formerly Invitae), Labcorp
Classification: Uncertain significance for Progressive sclerosing poliodystrophy. Last evaluated: 2025-12-28. Review status: criteria provided, single submitter. Criteria: Invitae Variant Classification Sherloc (09022015). Collection method: clinical testing. Allele origin: germline.
Comment: This sequence change replaces alanine, which is neutral and non-polar, with aspartic acid, which is acidic and polar, at codon 425 of the POLG protein (p.Ala425Asp). This variant is present in population databases (rs200399546, gnomAD 0.003%). This variant has not been reported in the literature in individuals affected with POLG-related conditions. ClinVar contains an entry for this variant (Variation ID: 2066117). Invitae Evidence Modeling of protein sequence and biophysical properties (such as structural, functional, and spatial information, amino acid conservation, physicochemical variation, residue mobility, and thermodynamic stability) indicates that this missense variant is expected to disrupt POLG protein function with a positive predictive value of 95%. In summary, the available evidence is currently insufficient to determine the role of this variant in disease. Therefore, it has been classified as a Variant of Uncertain Significance.

CeGaT Center for Human Genetics Tuebingen
Classification: Uncertain significance. Last evaluated: 2024-04-01. Review status: criteria provided, single submitter. Criteria: CeGaT Center For Human Genetics Tuebingen Variant Classification Criteria Version 2. Collection method: clinical testing. Allele origin: germline. Affected: yes. Observed: 1 variant allele.
Comment: POLG: PP3

NM_002693.3(POLG):c.1274C>A (p.Ala425Asp)

Gene: POLG (DNA polymerase gamma, catalytic subunit; minus strand). Cytogenetic location: 15q26.1.
Variant type: single nucleotide variant.
Coding change: c.1274C>A on transcript NM_002693.3 (MANE Select); coding-DNA position 1274, C replaced by A.
Protein change: p.Ala425Asp; replaces alanine 425 with aspartic acid.
Molecular consequence: missense variant.
Genome position (GRCh38, 1-based): chr15:89,327,326, G>T on the plus strand (C>A on the coding strand, the complement: POLG is on the minus strand). VCF-style: chr15-89327326-G-T. GRCh37 (hg19) VCF-style: chr15-89870557-G-T.
Other names: c.1274C>A, p.Ala425Asp (NM_001126131.2); short protein forms A425D.
Identifiers: ClinVar variation 2066117 (VCV002066117.24), dbSNP rs200399546, ClinGen allele CA7724886.